The following is an entry in ClinVar:

NM_016247.4(IMPG2):c.3223G>A (p.Ala1075Thr)

Gene: IMPG2 (interphotoreceptor matrix proteoglycan 2; minus strand). Cytogenetic location: 3q12.3.
Variant type: single nucleotide variant.
Coding change: c.3223G>A on transcript NM_016247.4 (MANE Select); coding-DNA position 3223, G replaced by A.
Protein change: p.Ala1075Thr; replaces alanine 1075 with threonine.
Molecular consequence: missense variant.
Genome position (GRCh38, 1-based): chr3:101,232,791, C>T on the plus strand (G>A on the coding strand, the complement: IMPG2 is on the minus strand). VCF-style: chr3-101232791-C-T. GRCh37 (hg19) VCF-style: chr3-100951635-C-T.
Other names: short protein forms A1075T.
Identifiers: ClinVar variation 3686617 (VCV003686617.2).

ClinVar aggregate classification (germline): Uncertain significance (1 of 4 stars; one submission).

gnomAD v4.1: 1 of 1,613,558 alleles (0.000062%); highest among the groups gnomAD compares: Non-Finnish European, 0.000085%; no homozygotes.

Submission:

Labcorp Genetics (formerly Invitae), Labcorp
Classification: Uncertain significance. Last evaluated: 2025-01-14. Review status: criteria provided, single submitter. Criteria: Invitae Variant Classification Sherloc (09022015). Collection method: clinical testing. Allele origin: germline.
Comment: This sequence change replaces alanine, which is neutral and non-polar, with threonine, which is neutral and polar, at codon 1075 of the IMPG2 protein (p.Ala1075Thr). This variant is not present in population databases (gnomAD no frequency). This variant has not been reported in the literature in individuals affected with IMPG2-related conditions. Invitae Evidence Modeling of protein sequence and biophysical properties (such as structural, functional, and spatial information, amino acid conservation, physicochemical variation, residue mobility, and thermodynamic stability) indicates that this missense variant is expected to disrupt IMPG2 protein function with a positive predictive value of 80%. In summary, the available evidence is currently insufficient to determine the role of this variant in disease. Therefore, it has been classified as a Variant of Uncertain Significance.